The following is an entry in ClinVar:

NM_152732.5(RSPH9):c.389T>C (p.Ile130Thr)

Gene: RSPH9 (radial spoke head component 9; plus strand). Cytogenetic location: 6p21.1.
Variant type: single nucleotide variant.
Coding change: c.389T>C on transcript NM_152732.5 (MANE Select); coding-DNA position 389, T replaced by C.
Protein change: p.Ile130Thr; replaces isoleucine 130 with threonine.
Molecular consequence: missense variant. On other transcripts: non-coding transcript variant (1).
Genome position (GRCh38, 1-based): chr6:43,650,536, T>C. VCF-style: chr6-43650536-T-C. GRCh37 (hg19) VCF-style: chr6-43618273-T-C.
Other names: c.389T>C, p.Ile130Thr (NM_001193341.2, NM_001424119.1, NM_001424120.1 and 1 more transcripts); short protein forms I130T.
Identifiers: ClinVar variation 834954 (VCV000834954.9), dbSNP rs935743330, ClinGen allele CA138333339.

ClinVar aggregate classification (germline): Uncertain significance (1 of 4 stars; one submission).

Conditions:
Primary ciliary dyskinesia. Also called: Ciliary dyskinesia. Identifiers: Orphanet 244, MedGen C0008780, MONDO:0016575, HP:0012265.

Allele frequency attached by ClinVar (database versions not stated): TOPMed 0.00001.

Submission:

Labcorp Genetics (formerly Invitae), Labcorp
Classification: Uncertain significance for Primary ciliary dyskinesia. Last evaluated: 2022-12-14. Review status: criteria provided, single submitter. Criteria: Invitae Variant Classification Sherloc (09022015). Collection method: clinical testing. Allele origin: germline.
Comment: This sequence change replaces isoleucine, which is neutral and non-polar, with threonine, which is neutral and polar, at codon 130 of the RSPH9 protein (p.Ile130Thr). In summary, the available evidence is currently insufficient to determine the role of this variant in disease. Therefore, it has been classified as a Variant of Uncertain Significance. Algorithms developed to predict the effect of missense changes on protein structure and function (SIFT, PolyPhen-2, Align-GVGD) all suggest that this variant is likely to be tolerated. ClinVar contains an entry for this variant (Variation ID: 834954). This variant has not been reported in the literature in individuals affected with RSPH9-related conditions. This variant is not present in population databases (gnomAD no frequency).